The following is an entry in ClinVar:

ClinVar aggregate classification (germline): Uncertain significance (1 of 4 stars; one submission).

Conditions:
Rhabdoid tumor predisposition syndrome 2 (RTPS2). Identifiers: Orphanet 231108, Orphanet 69077, MedGen C2750074, MONDO:0013224, OMIM 613325.

Submission:

Labcorp Genetics (formerly Invitae), Labcorp
Classification: Uncertain significance for Rhabdoid tumor predisposition syndrome 2. Last evaluated: 2025-10-23. Review status: criteria provided, single submitter. Criteria: Invitae Variant Classification Sherloc (09022015). Collection method: clinical testing. Allele origin: germline.
Comment: This sequence change replaces leucine, which is neutral and non-polar, with phenylalanine, which is neutral and non-polar, at codon 196 of the SMARCA4 protein (p.Leu196Phe). This variant is not present in population databases (gnomAD no frequency). This variant has not been reported in the literature in individuals affected with SMARCA4-related conditions. ClinVar contains an entry for this variant (Variation ID: 1479433). Invitae Evidence Modeling of protein sequence and biophysical properties (such as structural, functional, and spatial information, amino acid conservation, physicochemical variation, residue mobility, and thermodynamic stability) has been performed for this missense variant. However, the output from this modeling did not meet the statistical confidence thresholds required to predict the impact of this variant on SMARCA4 protein function. In summary, the available evidence is currently insufficient to determine the role of this variant in disease. Therefore, it has been classified as a Variant of Uncertain Significance.

NM_003072.5(SMARCA4):c.586C>T (p.Leu196Phe)

Gene: SMARCA4 (SWI/SNF related BAF chromatin remodeling complex subunit ATPase 4; plus strand). Cytogenetic location: 19p13.2.
Variant type: single nucleotide variant.
Coding change: c.586C>T on transcript NM_003072.5 (MANE Select); coding-DNA position 586, C replaced by T.
Protein change: p.Leu196Phe; replaces leucine 196 with phenylalanine.
Molecular consequence: missense variant. On other transcripts: non-coding transcript variant (1).
Genome position (GRCh38, 1-based): chr19:10,986,419, C>T. VCF-style: chr19-10986419-C-T. GRCh37 (hg19) VCF-style: chr19-11097095-C-T.
Other names: c.586C>T, p.Leu196Phe (NM_001128844.3, NM_001128845.2, NM_001128846.2 and 5 more transcripts); short protein forms L196F.
Identifiers: ClinVar variation 1479433 (VCV001479433.6), dbSNP rs1199851876, ClinGen allele CA404056475.